The following is an entry in ClinVar:

NM_020832.3(ZNF687):c.1459G>A (p.Gly487Ser)

Gene: ZNF687 (zinc finger protein 687; plus strand). Cytogenetic location: 1q21.3.
Variant type: single nucleotide variant.
Coding change: c.1459G>A on transcript NM_020832.3 (MANE Select); coding-DNA position 1459, G replaced by A.
Protein change: p.Gly487Ser; replaces glycine 487 with serine.
Molecular consequence: missense variant.
Genome position (GRCh38, 1-based): chr1:151,287,750, G>A. VCF-style: chr1-151287750-G-A. GRCh37 (hg19) VCF-style: chr1-151260226-G-A.
Other names: c.1459G>A, p.Gly487Ser (NM_001304763.2, NM_001304764.2); short protein forms G487S.
Identifiers: ClinVar variation 1950486 (VCV001950486.5), dbSNP rs751192864, ClinGen allele CA1088338.

ClinVar aggregate classification (germline): Uncertain significance (1 of 4 stars; one submission).

Allele frequency attached by ClinVar (database versions not stated): gnomAD 0.00001; TOPMed 0.00001; ExAC 0.00002; gnomAD exomes 0.00002.

Submission:

Labcorp Genetics (formerly Invitae), Labcorp
Classification: Uncertain significance. Last evaluated: 2025-03-12. Review status: criteria provided, single submitter. Criteria: Invitae Variant Classification Sherloc (09022015). Collection method: clinical testing. Allele origin: germline.
Comment: This sequence change replaces glycine, which is neutral and non-polar, with serine, which is neutral and polar, at codon 487 of the ZNF687 protein (p.Gly487Ser). This variant is present in population databases (rs751192864, gnomAD 0.03%). This variant has not been reported in the literature in individuals affected with ZNF687-related conditions. ClinVar contains an entry for this variant (Variation ID: 1950486). An algorithm developed to predict the effect of missense changes on protein structure and function (PolyPhen-2) suggests that this variant is likely to be disruptive. In summary, the available evidence is currently insufficient to determine the role of this variant in disease. Therefore, it has been classified as a Variant of Uncertain Significance.